The following is an entry in ClinVar:

ClinVar aggregate classification (germline): Pathogenic/Likely pathogenic. Review status: criteria provided, multiple submitters, no conflicts (2 of 4 stars). 3 submissions from 3 submitters: Pathogenic (2); Likely pathogenic (1). Last evaluated 2024-08-24.

Conditions:
Noonan syndrome 2 (NS2). Identifiers: Orphanet 648, MedGen C1854469, MONDO:0011531, OMIM 605275.
Hereditary cancer-predisposing syndrome. Also called: Tumor predisposition; Hereditary Cancer Syndrome; Hereditary neoplastic syndrome; Neoplastic Syndromes, Hereditary. Identifiers: Orphanet 140162, MedGen C0027672, MeSH D009386, MONDO:0015356.
Cardiovascular phenotype. Identifiers: MedGen CN230736.

Submissions (3):

Labcorp Genetics (formerly Invitae), Labcorp
Classification: Pathogenic. Last evaluated: 2024-08-24. Review status: criteria provided, single submitter. Criteria: Invitae Variant Classification Sherloc (09022015). Collection method: clinical testing. Allele origin: germline.
Comment: This sequence change creates a premature translational stop signal (p.Gln282*) in the LZTR1 gene. It is expected to result in an absent or disrupted protein product. Loss-of-function variants in LZTR1 are known to be pathogenic (PMID: 24362817, 25335493, 25480913, 25795793, 29469822, 30368668, 30442762, 30442766, 30481304, 30859559). This variant is not present in population databases (gnomAD no frequency). This premature translational stop signal has been observed in individual(s) with clinical features of LZTR1-related conditions (PMID: 32575496). ClinVar contains an entry for this variant (Variation ID: 1992330). For these reasons, this variant has been classified as Pathogenic.

MVZ Martinsried, Medicover Genetics
Classification: Likely pathogenic for Noonan syndrome 2. Last evaluated: 2022-12-14. Review status: criteria provided, single submitter. Criteria: ACGS Guidelines, 2020. Collection method: clinical testing. Allele origin: unknown.

Ambry Genetics
Classification: Pathogenic for Cardiovascular phenotype; Hereditary cancer-predisposing syndrome. Last evaluated: 2022-12-07. Review status: criteria provided, single submitter. Criteria: Ambry Variant Classification Scheme 2023. Collection method: clinical testing. Allele origin: germline.
Comment: The p.Q282* pathogenic mutation (also known as c.844C>T), located in coding exon 9 of the LZTR1 gene, results from a C to T substitution at nucleotide position 844. This changes the amino acid from a glutamine to a stop codon within coding exon 9. This alteration is expected to result in loss of function by premature protein truncation or nonsense-mediated mRNA decay. Loss-of-function variants in LZTR1 are related to an increased risk for schwannomas and autosomal recessive Noonan syndrome; however, such associations with autosomal dominant Noonan syndrome have not been observed (Piotrowski A et al. Nat Genet. 2014 Feb;46:182-7; Yamamoto GL et al. J Med Genet. 2015 Jun;52:413-21; Johnston JJ et al. Genet Med. 2018 10;20:1175-1185). Based on the supporting evidence, this variant is pathogenic for an increased risk of LZTR1-related schwannomatosis (SWN) and would be expected to cause autosomal recessive Noonan syndrome when present along with a second pathogenic or likely pathogenic variant on the other allele; however, the association of this alteration with autosomal dominant Noonan syndrome is unlikely.

Literature cited by the submitters: PubMed 24362817 (cited by Labcorp Genetics (formerly Invitae), Labcorp); PubMed 25335493 (cited by Labcorp Genetics (formerly Invitae), Labcorp); PubMed 25480913 (cited by Labcorp Genetics (formerly Invitae), Labcorp); PubMed 25795793 (cited by Labcorp Genetics (formerly Invitae), Labcorp); PubMed 29469822 (cited by Labcorp Genetics (formerly Invitae), Labcorp); PubMed 30368668 (cited by Labcorp Genetics (formerly Invitae), Labcorp); PubMed 30442762 (cited by Labcorp Genetics (formerly Invitae), Labcorp); PubMed 30442766 (cited by Labcorp Genetics (formerly Invitae), Labcorp); PubMed 30481304 (cited by Labcorp Genetics (formerly Invitae), Labcorp); PubMed 30859559 (cited by Labcorp Genetics (formerly Invitae), Labcorp); PubMed 32575496 (cited by Labcorp Genetics (formerly Invitae), Labcorp).

NM_006767.4(LZTR1):c.844C>T (p.Gln282Ter)

Gene: LZTR1 (leucine zipper like post translational regulator 1; plus strand). Cytogenetic location: 22q11.21.
Variant type: single nucleotide variant.
Coding change: c.844C>T on transcript NM_006767.4 (MANE Select); coding-DNA position 844, C replaced by T.
Protein change: p.Gln282Ter; replaces glutamine 282 with a stop codon.
Molecular consequence: nonsense.
Genome position (GRCh38, 1-based): chr22:20,991,680, C>T. VCF-style: chr22-20991680-C-T. GRCh37 (hg19) VCF-style: chr22-21345969-C-T.
Other names: c.844C>T (NM_006767.3); short protein forms Q282*.
Identifiers: ClinVar variation 1992330 (VCV001992330.5), dbSNP rs2518617065, ClinGen allele CA410781225.